The following is an entry in ClinVar:

ClinVar aggregate classification (germline): Uncertain significance (1 of 4 stars; one submission).

Conditions:
Hereditary nonpolyposis colorectal neoplasms. Identifiers: MedGen C0009405, MeSH D003123.

Submission:

Labcorp Genetics (formerly Invitae), Labcorp
Classification: Uncertain significance for Hereditary nonpolyposis colorectal neoplasms. Last evaluated: 2025-03-16. Review status: criteria provided, single submitter. Criteria: Invitae Variant Classification Sherloc (09022015). Collection method: clinical testing. Allele origin: germline.
Comment: This sequence change replaces alanine, which is neutral and non-polar, with proline, which is neutral and non-polar, at codon 572 of the PMS2 protein (p.Ala572Pro). This variant is not present in population databases (gnomAD no frequency). This variant has not been reported in the literature in individuals affected with PMS2-related conditions. Invitae Evidence Modeling incorporating data from in vitro experimental studies (internal data) indicates that this missense variant is not expected to disrupt PMS2 function with a negative predictive value of 95%. In summary, the available evidence is currently insufficient to determine the role of this variant in disease. Therefore, it has been classified as a Variant of Uncertain Significance.

NM_000535.7(PMS2):c.1714G>C (p.Ala572Pro)

Gene: PMS2 (PMS1 homolog 2, mismatch repair system component; minus strand). Cytogenetic location: 7p22.1.
Variant type: single nucleotide variant.
Coding change: c.1714G>C on transcript NM_000535.7 (MANE Select); coding-DNA position 1714, G replaced by C.
Protein change: p.Ala572Pro; replaces alanine 572 with proline.
Molecular consequence: missense variant. On other transcripts: non-coding transcript variant (1), intron variant (1).
Genome position (GRCh38, 1-based): chr7:5,987,051, C>G on the plus strand (G>C on the coding strand, the complement: PMS2 is on the minus strand). VCF-style: chr7-5987051-C-G. GRCh37 (hg19) VCF-style: chr7-6026682-C-G.
Other names: c.1309G>C, p.Ala437Pro (NM_001322003.2, NM_001322004.2, NM_001322005.2 and 16 more transcripts); c.1558G>C, p.Ala520Pro (NM_001322006.2, NM_001406870.1); c.1396G>C, p.Ala466Pro (NM_001322007.2, NM_001322008.2, NM_001406876.1 and 2 more transcripts); c.1153G>C, p.Ala385Pro (NM_001322010.2, NM_001406906.1, NM_001406907.1); c.781G>C, p.Ala261Pro (NM_001322011.2, NM_001322012.2); c.1141G>C, p.Ala381Pro (NM_001322013.2, NM_001406909.1); c.1714G>C, p.Ala572Pro (NM_001322014.2, NM_001406871.1, NM_001406872.1); c.1405G>C, p.Ala469Pro (NM_001322015.2, NM_001406875.1, NM_001406877.1 and 5 more transcripts); and 13 more; short protein forms A401P, A417P, A450P, A469P, A516P, A520P, A261P, A460P.
Identifiers: ClinVar variation 4711053 (VCV004711053.1).